The following is an entry in ClinVar:

ClinVar aggregate classification (germline): Uncertain significance. Review status: criteria provided, multiple submitters, no conflicts (2 of 4 stars). 2 submissions from 2 submitters: Uncertain significance (2). Last evaluated 2023-08-08.

Conditions:
Inborn genetic diseases. Identifiers: MedGen C0950123, MeSH D030342.

Submissions (2):

Ambry Genetics
Classification: Uncertain significance for Inborn genetic diseases. Last evaluated: 2023-08-08. Review status: criteria provided, single submitter. Criteria: Ambry Variant Classification Scheme 2023. Collection method: clinical testing. Allele origin: germline.

Labcorp Genetics (formerly Invitae), Labcorp
Classification: Uncertain significance. Last evaluated: 2023-02-08. Review status: criteria provided, single submitter. Criteria: Invitae Variant Classification Sherloc (09022015). Collection method: clinical testing. Allele origin: germline.
Comment: In summary, the available evidence is currently insufficient to determine the role of this variant in disease. Therefore, it has been classified as a Variant of Uncertain Significance. This variant is not present in population databases (gnomAD no frequency). Advanced modeling of protein sequence and biophysical properties (such as structural, functional, and spatial information, amino acid conservation, physicochemical variation, residue mobility, and thermodynamic stability) performed at Invitae indicates that this missense variant is not expected to disrupt KMT2A protein function. This variant has not been reported in the literature in individuals affected with KMT2A-related conditions. This sequence change replaces glycine, which is neutral and non-polar, with arginine, which is basic and polar, at codon 2308 of the KMT2A protein (p.Gly2308Arg).

NM_001197104.2(KMT2A):c.6922G>A (p.Gly2308Arg)

Gene: KMT2A (lysine methyltransferase 2A; plus strand). Cytogenetic location: 11q23.3.
Variant type: single nucleotide variant.
Coding change: c.6922G>A on transcript NM_001197104.2 (MANE Select); coding-DNA position 6922, G replaced by A.
Protein change: p.Gly2308Arg; replaces glycine 2308 with arginine.
Molecular consequence: missense variant.
Genome position (GRCh38, 1-based): chr11:118,502,814, G>A. VCF-style: chr11-118502814-G-A. GRCh37 (hg19) VCF-style: chr11-118373529-G-A.
Other names: c.7012G>A, p.Gly2338Arg (NM_001412597.1); c.6913G>A, p.Gly2305Arg (NM_005933.4); short protein forms G2308R, G2338R, G2305R.
Identifiers: ClinVar variation 2617227 (VCV002617227.5), dbSNP rs2496992395, ClinGen allele CA382803598.